The following is an entry in ClinVar:

NM_012268.4(PLD3):c.877G>A (p.Ala293Thr)

Genes: PLD3 (phospholipase D family member 3; plus strand), LOC121852988 (Sharpr-MPRA regulatory region 12346; plus strand). Cytogenetic location: 19q13.2.
Variant type: single nucleotide variant.
Coding change: c.877G>A on transcript NM_012268.4 (MANE Select); coding-DNA position 877, G replaced by A.
Protein change: p.Ala293Thr; replaces alanine 293 with threonine.
Molecular consequence: missense variant.
Genome position (GRCh38, 1-based): chr19:40,371,871, G>A. VCF-style: chr19-40371871-G-A. GRCh37 (hg19) VCF-style: chr19-40877778-G-A.
Other names: c.877G>A, p.Ala293Thr (NM_001031696.4, NM_001291311.2); short protein forms A293T.
Identifiers: ClinVar variation 1952630 (VCV001952630.5), dbSNP rs771064838, ClinGen allele CA9442836.
Genomic context (GRCh38, chr19:40,371,871, plus strand): 5'-TACAACCAAGAGACACCAATGGAGATCTGCCTCAATGGAACCCCTGCTCTGGCCTACCTG[G>A]CGGTGAGTCTGGGGCAAGTGGGGCCTGTCATGTCCCAGCCCCATGCCGTCACTCACAGCC-3'
Protein context (NP_036400.2, residues 283-303): LNGTPALAYL[Ala293Thr]SAPPPLCPSG

ClinVar aggregate classification (germline): Uncertain significance (1 of 4 stars; one submission).

Allele frequency attached by ClinVar (database versions not stated): TOPMed below 0.00001; ExAC 0.00001; gnomAD 0.00001; gnomAD exomes 0.00002.

Submission:

Labcorp Genetics (formerly Invitae), Labcorp
Classification: Uncertain significance. Last evaluated: 2022-05-28. Review status: criteria provided, single submitter. Criteria: Invitae Variant Classification Sherloc (09022015). Collection method: clinical testing. Allele origin: germline.
Comment: This sequence change replaces alanine, which is neutral and non-polar, with threonine, which is neutral and polar, at codon 293 of the PLD3 protein (p.Ala293Thr). This variant is present in population databases (rs771064838, gnomAD 0.004%). This variant has not been reported in the literature in individuals affected with PLD3-related conditions. Algorithms developed to predict the effect of missense changes on protein structure and function (SIFT, PolyPhen-2, Align-GVGD) all suggest that this variant is likely to be tolerated. In summary, the available evidence is currently insufficient to determine the role of this variant in disease. Therefore, it has been classified as a Variant of Uncertain Significance.